The following is an entry in ClinVar:

ClinVar aggregate classification (germline): Likely benign. Review status: criteria provided, multiple submitters, no conflicts (2 of 4 stars). 2 submissions from 2 submitters: Likely benign (2). Last evaluated 2022-11-22.

Conditions:
Seizure. Also called: Seizures. Identifiers: MedGen C0036572, HP:0001250.

Allele frequency attached by ClinVar (database versions not stated): TOPMed below 0.00001; gnomAD 0.00001.
gnomAD v4.1: 10 of 1,613,752 alleles (0.00062%); highest among the groups gnomAD compares: Middle Eastern, 0.016%; no homozygotes.

Submissions (2):

Labcorp Genetics (formerly Invitae), Labcorp
Classification: Likely benign. Last evaluated: 2022-11-22. Review status: criteria provided, single submitter. Criteria: Invitae Variant Classification Sherloc (09022015). Collection method: clinical testing. Allele origin: germline.

Cytogénomique, Hospices Civils de Lyon
Classification: Likely benign for Seizure. Last evaluated: 2022-05-06. Review status: criteria provided, single submitter. Criteria: ACMG Guidelines, 2015. Collection method: clinical testing. Allele origin: paternal. Inheritance: Autosomal dominant inheritance. Affected: yes. Observed: 1 variant allele, 1 heterozygote.

NM_001037333.3(CYFIP2):c.2380A>G (p.Ile794Val)

Gene: CYFIP2 (cytoplasmic FMR1 interacting protein 2; plus strand). Cytogenetic location: 5q33.3.
Variant type: single nucleotide variant.
Coding change: c.2380A>G on transcript NM_001037333.3 (MANE Select); coding-DNA position 2380, A replaced by G.
Protein change: p.Ile794Val; replaces isoleucine 794 with valine.
Molecular consequence: missense variant.
Genome position (GRCh38, 1-based): chr5:157,333,441, A>G. VCF-style: chr5-157333441-A-G. GRCh37 (hg19) VCF-style: chr5-156760449-A-G.
Other names: c.2302A>G, p.Ile768Val (NM_001291721.2); c.2455A>G, p.Ile819Val (NM_001291722.2); c.2380A>G, p.Ile794Val (NM_014376.4); short protein forms I768V, I794V, I819V.
Identifiers: ClinVar variation 1375989 (VCV001375989.9), dbSNP rs1761629276, ClinGen allele CA361971351.
Genomic context (GRCh38, chr5:157,333,441, plus strand): 5'-GCCATGTATAAATCCTTGGACCAAGCTATCAGCCGCTTTGAGAGTGAGGACCTGACCTCC[A>G]TTGTGGTAAGAGTCTGGGAGCGTGTGGGATTTCTGCTCTGTGATTTCTCAGACTAGAAGC-3'
Protein context (NP_001032410.1, residues 784-804): SRFESEDLTS[Ile794Val]VELEWLLEIN